The following is an entry in ClinVar:

ClinVar aggregate classification (germline): Likely pathogenic (1 of 4 stars; one submission).

Conditions:
Autosomal recessive polycystic kidney disease (ARPKD). Also called: AR polycystic kidney disease. Identifiers: Orphanet 731, Orphanet 8378, MedGen C0085548, MeSH D017044, MONDO:0009889.

gnomAD v4.1: 1 of 1,612,900 alleles (0.000062%); highest among the groups gnomAD compares: Non-Finnish European, 0.000085%; no homozygotes.

Submission:

Natera, Inc.
Classification: Likely pathogenic for Autosomal recessive polycystic kidney disease. Last evaluated: 2025-03-27. Review status: criteria provided, single submitter. Criteria: Natera Variant Classification Schema (03/2026). Collection method: clinical testing. Allele origin: germline.
Comment: The c.5682T>A variant in PKHD1 is a nonsense variant predicted to introduce a stop codon at amino acid 1894. This variant is expected to result in nonsense mediated decay, truncation, or a dysfunctional protein product. This variant is rare in the general population with a frequency below the threshold expected for the associated phenotype(s). Given the available evidence, this variant is classified as Likely Pathogenic.

NM_138694.4(PKHD1):c.5682T>A (p.Cys1894Ter)

Gene: PKHD1 (PKHD1 ciliary IPT domain containing fibrocystin/polyductin; minus strand). Cytogenetic location: 6p12.2.
Variant type: single nucleotide variant.
Coding change: c.5682T>A on transcript NM_138694.4 (MANE Select); coding-DNA position 5682, T replaced by A.
Protein change: p.Cys1894Ter; replaces cysteine 1894 with a stop codon.
Molecular consequence: nonsense.
Genome position (GRCh38, 1-based): chr6:52,010,378, A>T on the plus strand (T>A on the coding strand, the complement: PKHD1 is on the minus strand). VCF-style: chr6-52010378-A-T. GRCh37 (hg19) VCF-style: chr6-51875176-A-T.
Other names: c.5682T>A, p.Cys1894Ter (NM_170724.3); short protein forms C1894*.
Identifiers: ClinVar variation 4060051 (VCV004060051.2).